The following is an entry in ClinVar:

NM_000441.2(SLC26A4):c.85G>C (p.Glu29Gln)

Genes: SLC26A4 (solute carrier family 26 member 4; plus strand), SLC26A4-AS1 (SLC26A4 antisense RNA 1; minus strand). Cytogenetic location: 7q22.3.
Variant type: single nucleotide variant.
Coding change: c.85G>C on transcript NM_000441.2 (MANE Select); coding-DNA position 85, G replaced by C.
Protein change: p.Glu29Gln; replaces glutamic acid 29 with glutamine.
Molecular consequence: missense variant. On other transcripts: non-coding transcript variant (1).
Genome position (GRCh38, 1-based): chr7:107,661,726, G>C. VCF-style: chr7-107661726-G-C. GRCh37 (hg19) VCF-style: chr7-107302171-G-C.
Other names: short protein forms E29Q.
Identifiers: ClinVar variation 4839 (VCV000004839.91), dbSNP rs111033205, ClinGen allele CA253315.

ClinVar aggregate classification (germline): Pathogenic/Likely pathogenic. Review status: criteria provided, multiple submitters, no conflicts (2 of 4 stars). 26 submissions from 25 submitters: Pathogenic (18); Likely pathogenic (2). 6 of the submissions do not count toward it. Last evaluated 2026-07-28.

Conditions:
Monogenic hearing loss.
SLC26A4-related disorder. Also called: SLC26A4-related condition; SLC26A4-related disorders.
Rare genetic deafness. Identifiers: Orphanet 96210, MedGen C5680250.
Autosomal recessive nonsyndromic hearing loss 4 (DFNB4). Also called: Nonsyndromic enlarged vestibular aqueduct (NSEVA); Deafness, autosomal recessive 4, with enlarged vestibular aqueduct; NEUROSENSORY NONSYNDROMIC RECESSIVE DEAFNESS 4; DEAFNESS, AUTOSOMAL RECESSIVE 4, WITH ENLARGED VESTIBULAR AQUEDUCT, DIGENIC; Deafness, autosomal recessive 4; Enlarged vestibular aqueduct, digenic. Identifiers: Orphanet 90636, MedGen C3538946, MONDO:0010933, OMIM 600791.
Pendred syndrome (PDS). Also called: DEAFNESS WITH GOITER; THYROID DYSHORMONOGENESIS 2B; THYROID HORMONOGENESIS, GENETIC DEFECT IN, 2B; GOITER-DEAFNESS SYNDROME; Pendred Syndrome (PDS); Pendred's syndrome. Identifiers: Orphanet 705, MedGen C0271829, MONDO:0010134, OMIM 274600.
Wolff-Parkinson-White pattern. Also called: WPW SYNDROME; Auriculoventricular accessory pathway syndrome; False bundle branch block syndrome; Anomalous ventricular excitation syndrome. Identifiers: MedGen C0043202, MONDO:0008685, OMIM 194200, HP:0001716.
Ear malformation. Also called: CUP EAR; Abnormality of the ear. Identifiers: MedGen C0266589, MONDO:0007500, OMIM 128600, HP:0000598.

Allele frequency attached by ClinVar (database versions not stated): gnomAD 0.00011; TOPMed 0.00012.
gnomAD v4.1: 238 of 1,557,858 alleles (0.015%); highest among the groups gnomAD compares: Non-Finnish European, 0.02%; no homozygotes.

Submissions 1 to 18 of 26:

GeneDx
Classification: Pathogenic. Last evaluated: 2026-07-28. Review status: criteria provided, single submitter. Criteria: GeneDx Variant Classification Process June 2021. Collection method: clinical testing. Allele origin: germline.
Comment: Published functional studies demonstrate a damaging effect due to reduced iodide transport activity (PMID: 19017801); In silico analysis suggests that this missense variant does not alter protein structure/function; This variant is associated with the following publications: (PMID: 14679580, 29372807, 24224479, 17503324, 16950989, 18285825, 15099345, 15355436, 16570074, 20597900, 23336812, 31589614, 34426522, 34170635, 33199029, 11317356, 19017801, 36555390, 25394566, 25372295, 12642503, 22285650, 36833263, 37996878, 31541171, 36499699)

PreventionGenetics, part of Exact Sciences
Classification: Pathogenic for SLC26A4-related condition. Last evaluated: 2026-06-15. Review status: criteria provided, single submitter. Criteria: ACMG Guidelines, 2015. Collection method: clinical testing. Allele origin: germline.
Comment: The SLC26A4 c.85G>C variant is predicted to result in the amino acid substitution p.Glu29Gln. This variant has been reported in the compound heterozygous state along with a second pathogenic variant in individuals with SLC26A4 related disorders and segregated with disease in multiple families (see, for example, Campbell et al. 2001. PubMed ID: 11317356; Klarov et al. 2022. PubMed ID: 36499699; Bałdyga et al. 2023. PubMed ID: 36833263). In vitro experimental studies suggest this variant impacts protein function (Pera et al. 2008. PubMed ID: 19017801). This variant is reported in 0.023% of alleles in individuals of European (non-Finnish) descent in gnomAD. This variant is interpreted as pathogenic.

Genetics Laboratory, Great Ormond Street Hospital NHS Foundation Trust, North Thames Genomic Laboratory Hub
Classification: Pathogenic for Monogenic hearing loss. Last evaluated: 2025-07-29. Review status: criteria provided, single submitter. Criteria: ACGS Best Practice Guidelines for Variant Classification in Rare Disease 2024 v1.2. Collection method: clinical testing. Allele origin: germline. Affected: yes.
Comment: PM2_supporting, PS3_supporting, PP1_supporting, PM3_very-strong, PP4_supporting

Natera, Inc.
Classification: Pathogenic for Pendred syndrome. Last evaluated: 2025-07-18. Review status: criteria provided, single submitter. Criteria: Natera Variant Classification Schema (03/2026). Collection method: clinical testing. Allele origin: germline.
Comment: The c.85G>C variant in SLC26A4 is a missense variant predicted to cause substitution of glutamic acid to glutamine at amino acid 29. This variant is rare in the general population with a frequency below the threshold expected for the associated phenotype(s). This variant has been observed in one or more individuals affected with the associated recessive disease, as either homozygous or compound heterozygous with a second variant (PMID: 23336812). Given the available evidence, this variant is classified as Pathogenic.

Labcorp Genetics (formerly Invitae), Labcorp
Classification: Pathogenic. Last evaluated: 2025-03-20. Review status: criteria provided, single submitter. Criteria: Invitae Variant Classification Sherloc (09022015). Collection method: clinical testing. Allele origin: germline.
Comment: This sequence change replaces glutamic acid, which is acidic and polar, with glutamine, which is neutral and polar, at codon 29 of the SLC26A4 protein (p.Glu29Gln). This variant is present in population databases (rs111033205, gnomAD 0.03%). This missense change has been observed in individuals with SLC26A4-related conditions (PMID: 11317356, 15355436, 16570074, 20597900, 25394566). ClinVar contains an entry for this variant (Variation ID: 4839). An algorithm developed to predict the effect of missense changes on protein structure and function outputs the following: PolyPhen-2: "Benign". The glutamine amino acid residue is found in multiple mammalian species, which suggests that this missense change does not adversely affect protein function. Experimental studies have shown that this missense change affects SLC26A4 function (PMID: 19017801). This variant disrupts the p.Glu29 amino acid residue in SLC26A4. Other variant(s) that disrupt this residue have been observed in individuals with SLC26A4-related conditions (PMID: 22285650, 25372295), which suggests that this may be a clinically significant amino acid residue. For these reasons, this variant has been classified as Pathogenic.

Laboratory of Genetics, Children's Clinical University Hospital Latvia
Classification: Pathogenic. Last evaluated: 2025-02-16. Review status: criteria provided, single submitter. Criteria: ACMG Guidelines, 2015. Collection method: clinical testing. Allele origin: germline. Affected: yes.

Blueprint Genetics
Classification: Pathogenic for SLC26A4-related disorders. Last evaluated: 2024-08-02. Review status: criteria provided, single submitter. Criteria: ACMG Guidelines, 2015. Collection method: clinical testing. Allele origin: germline. Affected: yes. Observed: 5 variant alleles.

Baylor Genetics
Classification: Pathogenic for Autosomal recessive nonsyndromic hearing loss 4. Last evaluated: 2024-03-30. Review status: criteria provided, single submitter. Criteria: ACMG Guidelines, 2015. Collection method: clinical testing. Allele origin: unknown.

The Shared Resource Centre "Genome", Research Centre for Medical Genetics
Classification: Pathogenic for Autosomal recessive nonsyndromic hearing loss 4. Last evaluated: 2022-11-10. Review status: criteria provided, single submitter. Criteria: ACMG Guidelines, 2015. Collection method: clinical testing. Allele origin: germline. Affected: yes. Observed: 1 variant allele.

Mayo Clinic Laboratories, Mayo Clinic
Classification: Pathogenic. Last evaluated: 2022-09-16. Review status: criteria provided, single submitter. Criteria: ACMG Guidelines, 2015. Collection method: clinical testing. Allele origin: germline. Observed: 1 variant allele.
Comment: PM2_supporting, PM3_very_strong, PS3_supporting

Department of Human Genetics, Hannover Medical School
Classification: Pathogenic for Autosomal recessive nonsyndromic hearing loss 4. Last evaluated: 2022-08-22. Review status: criteria provided, single submitter. Criteria: ACMG Guidelines, 2015. Collection method: clinical testing. Allele origin: germline. Inheritance: Autosomal recessive inheritance. Affected: yes.

MGZ Medical Genetics Center
Classification: Pathogenic for Autosomal recessive nonsyndromic hearing loss 4. Last evaluated: 2022-03-15. Review status: criteria provided, single submitter. Criteria: ACMG Guidelines, 2015. Collection method: clinical testing. Allele origin: germline. Affected: yes. Observed: 2 variant alleles.
Comment: ACMG criteria applied: PM3_STR, PS3_MOD, PS4_MOD, PM5, PM2_SUP, PP3

Genome-Nilou Lab
Classification: Pathogenic for Autosomal recessive nonsyndromic hearing loss 4. Last evaluated: 2021-09-05. Review status: criteria provided, single submitter. Criteria: ACMG Guidelines, 2015. Collection method: clinical testing. Allele origin: germline. Affected: no.

Genome-Nilou Lab
Classification: Pathogenic for Pendred syndrome. Last evaluated: 2021-09-05. Review status: criteria provided, single submitter. Criteria: ACMG Guidelines, 2015. Collection method: clinical testing. Allele origin: germline. Affected: no.

Fulgent Genetics
Classification: Pathogenic for Pendred syndrome; Autosomal recessive nonsyndromic hearing loss 4. Last evaluated: 2021-08-11. Review status: criteria provided, single submitter. Criteria: ACMG Guidelines, 2015. Collection method: clinical testing. Allele origin: unknown.

Revvity Omics, Revvity
Classification: Likely pathogenic. Last evaluated: 2020-12-11. Review status: criteria provided, single submitter. Criteria: ACMG Guidelines, 2015. Collection method: clinical testing. Allele origin: germline.

Cambridge Genomics Laboratory, East Genomic Laboratory Hub, NHS Genomic Medicine Service
Classification: Likely pathogenic for Ear malformation. Last evaluated: 2019-09-24. Review status: criteria provided, single submitter. Criteria: ACGS Best Practice Guidelines for Variant Classification in Rare Disease 2020. Collection method: clinical testing. Allele origin: germline. Affected: yes. Observed: 1 variant allele.

CeGaT Center for Human Genetics Tuebingen
Classification: Pathogenic. Last evaluated: 2019-02-01. Review status: criteria provided, single submitter. Criteria: CeGaT Center For Human Genetics Tuebingen Variant Classification Criteria Version 2. Collection method: clinical testing. Allele origin: germline. Affected: yes. Observed: 2 variant alleles.